The following is an entry in ClinVar:

ClinVar aggregate classification (germline): Uncertain significance (1 of 4 stars; one submission).

Conditions:
Inborn genetic diseases. Identifiers: MedGen C0950123, MeSH D030342.

gnomAD v4.1: 2 of 1,611,952 alleles (0.00012%); highest among the groups gnomAD compares: Non-Finnish European, 0.00017%; no homozygotes.

Submission:

Ambry Genetics
Classification: Uncertain significance for Inborn genetic diseases. Last evaluated: 2026-04-22. Review status: criteria provided, single submitter. Criteria: Ambry Variant Classification Scheme 2023. Collection method: clinical testing. Allele origin: germline.
Comment: The p.H631L variant (also known as c.1892A>T), located in coding exon 13 of the ASXL1 gene, results from an A to T substitution at nucleotide position 1892. The histidine at codon 631 is replaced by leucine, an amino acid with similar properties. This amino acid position is conserved. In addition, this alteration is predicted to be tolerated by in silico analysis. Based on the available evidence, the clinical significance of this variant remains unclear.

NM_015338.6(ASXL1):c.1892A>T (p.His631Leu)

Gene: ASXL1 (ASXL transcriptional regulator 1; plus strand). Cytogenetic location: 20q11.21.
Variant type: single nucleotide variant.
Coding change: c.1892A>T on transcript NM_015338.6 (MANE Select); coding-DNA position 1892, A replaced by T.
Protein change: p.His631Leu; replaces histidine 631 with leucine.
Molecular consequence: missense variant.
Genome position (GRCh38, 1-based): chr20:32,434,604, A>T. VCF-style: chr20-32434604-A-T. GRCh37 (hg19) VCF-style: chr20-31022407-A-T.
Other names: c.1709A>T, p.His570Leu (NM_001363734.1); short protein forms H570L, H631L.
Identifiers: ClinVar variation 4864276 (VCV004864276.1).